The following is an entry in ClinVar:

ClinVar aggregate classification (germline): Uncertain significance. Review status: criteria provided, multiple submitters, no conflicts (2 of 4 stars). 2 submissions from 2 submitters: Uncertain significance (2). Last evaluated 2023-09-29.

Conditions:
Brugada syndrome 4 (BRGDA4). Identifiers: Orphanet 130, MedGen C2678477, MONDO:0012743, OMIM 611876.
Cardiovascular phenotype. Identifiers: MedGen CN230736.

Allele frequency attached by ClinVar (database versions not stated): gnomAD 0.00001.
gnomAD v4.1: 7 of 1,614,070 alleles (0.00043%); highest among the groups gnomAD compares: Non-Finnish European, 0.00059%; no homozygotes.

Submissions (2):

Ambry Genetics
Classification: Uncertain significance for Cardiovascular phenotype. Last evaluated: 2023-09-29. Review status: criteria provided, single submitter. Criteria: Ambry Variant Classification Scheme 2023. Collection method: clinical testing. Allele origin: germline.
Comment: The p.M1? variant (also known as c.2T>C) is located in coding exon 1 of the CACNB2 gene and results from a T to C substitution at nucleotide position 2. This alters the methionine residue at the initiation codon (ATG). This amino acid position is highly conserved in available vertebrate species. Variations that modify the initiation codon (ATG) are expected to result in either loss of translation initiation, N-terminal truncation, or cause a shift in the mRNA reading frame. However, loss of function of CACNB2 has not been established as a mechanism of disease. The evidence for this gene-disease relationship is limited; therefore, the clinical significance of this alteration is unclear.

Labcorp Genetics (formerly Invitae), Labcorp
Classification: Uncertain significance for Brugada syndrome 4. Last evaluated: 2017-03-16. Review status: criteria provided, single submitter. Criteria: Invitae Variant Classification Sherloc (09022015). Collection method: clinical testing. Allele origin: germline.
Comment: The current clinical and genetic evidence is not sufficient to establish whether loss-of-function variants in CACNB2 cause disease. Therefore, this variant has been classified as a Variant of Uncertain Significance. This variant is not present in population databases (ExAC no frequency) and has not been reported in the literature in individuals with a CACNB2-related disease. This sequence change affects the initiator methionine of the CACNB2 mRNA and is predicted to result in an absent or truncated protein.

NM_201590.3(CACNB2):c.2T>C (p.Met1Thr)

Gene: CACNB2 (calcium voltage-gated channel auxiliary subunit beta 2; plus strand). Cytogenetic location: 10p12.32.
Variant type: single nucleotide variant.
Coding change: c.2T>C on transcript NM_201590.3 (MANE Plus Clinical); coding-DNA position 2, T replaced by C.
Protein change: p.Met1Thr; changes the start codon (methionine 1).
Molecular consequence: missense variant, initiator codon variant. On other transcripts: intron variant (8).
Genome position (GRCh38, 1-based): chr10:18,340,928, T>C. VCF-style: chr10-18340928-T-C. GRCh37 (hg19) VCF-style: chr10-18629857-T-C.
Other names: c.130-60996T>C (NM_201571.4, NM_001167945.2, NM_201572.4); c.214-60996T>C (NM_201596.3, NM_201593.3, NM_201597.3); c.49-60996T>C (NM_000724.4, NM_001330060.2); short protein forms M1T.
Identifiers: ClinVar variation 469644 (VCV000469644.10), dbSNP rs1401122407, ClinGen allele CA376219100.